The following is an entry in ClinVar:

ClinVar aggregate classification (germline): Likely benign. Review status: criteria provided, multiple submitters, no conflicts (2 of 4 stars). 2 submissions from 2 submitters: Likely benign (2). Last evaluated 2023-10-24.

Conditions:
Fanconi anemia (FA). Also called: Fanconi's anemia. Identifiers: Orphanet 84, MedGen C0015625, MeSH D005199, MONDO:0019391.

Allele frequency attached by ClinVar (database versions not stated): gnomAD 0.00001; TOPMed 0.00001; gnomAD exomes 0.00003.
gnomAD v4.1: 49 of 1,614,056 alleles (0.003%); highest among the groups gnomAD compares: Middle Eastern, 0.016%; no homozygotes.

Submissions (2):

Labcorp Genetics (formerly Invitae), Labcorp
Classification: Likely benign for Fanconi anemia. Last evaluated: 2023-10-24. Review status: criteria provided, single submitter. Criteria: Invitae Variant Classification Sherloc (09022015). Collection method: clinical testing. Allele origin: germline.

CeGaT Center for Human Genetics Tuebingen
Classification: Likely benign. Last evaluated: 2022-08-01. Review status: criteria provided, single submitter. Criteria: CeGaT Center For Human Genetics Tuebingen Variant Classification Criteria Version 2. Collection method: clinical testing. Allele origin: germline. Affected: yes. Observed: 1 variant allele.
Comment: SLX4: BP4, BP7

NM_032444.4(SLX4):c.1521G>A (p.Arg507=)

Gene: SLX4 (SLX4 structure-specific endonuclease subunit; minus strand). Cytogenetic location: 16p13.3.
Variant type: single nucleotide variant.
Coding change: c.1521G>A on transcript NM_032444.4 (MANE Select); coding-DNA position 1521, G replaced by A.
Protein change: p.Arg507=; no amino-acid change (arginine 507 retained).
Molecular consequence: synonymous variant.
Genome position (GRCh38, 1-based): chr16:3,597,541, C>T on the plus strand (G>A on the coding strand, the complement: SLX4 is on the minus strand). VCF-style: chr16-3597541-C-T. GRCh37 (hg19) VCF-style: chr16-3647542-C-T.
Identifiers: ClinVar variation 2646116 (VCV002646116.27), dbSNP rs778213300, ClinGen allele CA276964501.